The following is an entry in ClinVar:

NM_005219.5(DIAPH1):c.37G>A (p.Gly13Arg)

Gene: DIAPH1 (diaphanous related formin 1; minus strand). Cytogenetic location: 5q31.3.
Variant type: single nucleotide variant.
Coding change: c.37G>A on transcript NM_005219.5 (MANE Select); coding-DNA position 37, G replaced by A.
Protein change: p.Gly13Arg; replaces glycine 13 with arginine.
Molecular consequence: missense variant.
Genome position (GRCh38, 1-based): chr5:141,618,878, C>T on the plus strand (G>A on the coding strand, the complement: DIAPH1 is on the minus strand). VCF-style: chr5-141618878-C-T. GRCh37 (hg19) VCF-style: chr5-140998445-C-T.
Other names: c.37G>A, p.Gly13Arg (NM_001079812.3, NM_001314007.2); short protein forms G13R.
Identifiers: ClinVar variation 4787137 (VCV004787137.1).

ClinVar aggregate classification (germline): Uncertain significance (1 of 4 stars; one submission).

Conditions:
Progressive microcephaly-seizures-cortical blindness-developmental delay syndrome. Also called: Seizures, cortical blindness, and microcephaly syndrome. Identifiers: Orphanet 477814, MedGen C5567650, MONDO:0014714, OMIM 616632.
Autosomal dominant nonsyndromic hearing loss 1. Also called: DEAFNESS, AUTOSOMAL DOMINANT 1, WITH OR WITHOUT THROMBOCYTOPENIA; KONIGSMARK SYNDROME. Identifiers: Orphanet 90635, MedGen C1852282, MONDO:0007424, OMIM 124900.

Submission:

Labcorp Genetics (formerly Invitae), Labcorp
Classification: Uncertain significance for Progressive microcephaly-seizures-cortical blindness-developmental delay syndrome; Autosomal dominant nonsyndromic hearing loss 1. Last evaluated: 2025-12-25. Review status: criteria provided, single submitter. Criteria: Invitae Variant Classification Sherloc (09022015). Collection method: clinical testing. Allele origin: germline.
Comment: This sequence change replaces glycine, which is neutral and non-polar, with arginine, which is basic and polar, at codon 13 of the DIAPH1 protein (p.Gly13Arg). This variant is not present in population databases (gnomAD no frequency). This variant has not been reported in the literature in individuals affected with DIAPH1-related conditions. Experimental studies and prediction algorithms are not available or were not evaluated, and the functional significance of this variant is currently unknown. In summary, the available evidence is currently insufficient to determine the role of this variant in disease. Therefore, it has been classified as a Variant of Uncertain Significance.